The following is an entry in ClinVar:

NM_000051.4(ATM):c.497-2685TGTTT[5]

Gene: ATM (ATM serine/threonine kinase; plus strand). Cytogenetic location: 11q22.3.
Variant type: Microsatellite.
Coding change: c.497-2685TGTTT[5] on transcript NM_000051.4 (MANE Select); five copies in a row of the 5-base unit TGTTT starting at c.497-2685.
Molecular consequence: intron variant.
Genome position: GRCh38 VCF-style: chr11-108241267-C-CTGTTT. GRCh37 (hg19) VCF-style: chr11-108111994-C-CTGTTT.
Other names: c.497-2685TGTTT[5] (NM_001351834.2).
Identifiers: ClinVar variation 4990751 (VCV004990751.1).

ClinVar aggregate classification (germline): Likely benign (1 of 4 stars; one submission).

Conditions:
ATM-related disorder. Also called: ATM-related disorders; ATM-related condition.

Submission:

PreventionGenetics, part of Exact Sciences
Classification: Likely benign for ATM-related condition. Last evaluated: 2025-10-13. Review status: criteria provided, single submitter. Criteria: ACMG Guidelines, 2015. Collection method: clinical testing. Allele origin: germline.
Comment: This variant is classified as likely benign based on ACMG/AMP sequence variant interpretation guidelines (Richards et al. 2015 PMID: 25741868, with internal and published modifications).